The following is an entry in ClinVar:

NM_000051.4(ATM):c.945dup (p.Tyr316fs)

Gene: ATM (ATM serine/threonine kinase; plus strand). Cytogenetic location: 11q22.3.
Variant type: Duplication.
Coding change: c.945dup on transcript NM_000051.4 (MANE Select); coding-DNA position 945, one base duplicated (A; older notation c.945dupA).
Protein change: p.Tyr316fs; shifts the reading frame from tyrosine 316.
Molecular consequence: frameshift variant.
Genome position (GRCh38, 1-based): chr11:108,247,007, A duplicated. VCF-style (leftmost placement, unchanged base first): chr11-108247006-T-TA. GRCh37 (hg19) VCF-style: chr11-108117733-T-TA.
Other names: c.945dup, p.Tyr316fs (NM_001351834.2); short protein forms Y316fs.
Identifiers: ClinVar variation 1394892 (VCV001394892.55), dbSNP rs2135265770, ClinGen allele CA2573146399.
Genomic context (GRCh38, chr11:108,247,006, plus strand): 5'-TAATTTTTTGGATTACAGGTGCTTATGAATCAACAAAATGGAGAAGTATTTTATACAACT[T>TA]ATATGATCTGCTAGTGAATGAGATAAGTCATATAGGAAGTAGAGGAAAGTATTCTTCAGG-3'

ClinVar aggregate classification (germline): Pathogenic. Review status: criteria provided, multiple submitters, no conflicts (2 of 4 stars). 3 submissions from 3 submitters: Pathogenic (2). 1 of the submissions does not count toward it. Last evaluated 2022-07-01.

Conditions:
Ataxia-telangiectasia syndrome (AT). Also called: Cerebello-oculocutaneous telangiectasia; Immunodeficiency with ataxia telangiectasia; LOUIS-BAR SYNDROME; Ataxia-telangiectasia; Ataxia-telangiectasia, complementation group E; Ataxia telangiectasia (A-T). Identifiers: Orphanet 100, MedGen C0004135, MONDO:0008840, OMIM 208900.
Familial cancer of breast. Also called: hereditary breast carcinoma; BREAST CANCER, FAMILIAL; Hereditary breast cancer. Identifiers: Orphanet 227535, MedGen C0346153, MONDO:0016419, OMIM 114480. Disease mechanism: loss of function.

Allele frequency attached by ClinVar (database versions not stated): gnomAD exomes below 0.00001.

Submissions (3):

CeGaT Center for Human Genetics Tuebingen
Classification: Pathogenic. Last evaluated: 2022-07-01. Review status: criteria provided, single submitter. Criteria: CeGaT Center For Human Genetics Tuebingen Variant Classification Criteria Version 2. Collection method: clinical testing. Allele origin: germline. Affected: yes. Observed: 1 variant allele.
Comment: ATM: PVS1, PM2

Labcorp Genetics (formerly Invitae), Labcorp
Classification: Pathogenic for Ataxia-telangiectasia syndrome. Last evaluated: 2021-08-19. Review status: criteria provided, single submitter. Criteria: Invitae Variant Classification Sherloc (09022015). Collection method: clinical testing. Allele origin: germline.
Comment: For these reasons, this variant has been classified as Pathogenic. This variant has not been reported in the literature in individuals affected with ATM-related conditions. This variant is not present in population databases (ExAC no frequency). This sequence change creates a premature translational stop signal (p.Tyr316Ilefs*2) in the ATM gene. It is expected to result in an absent or disrupted protein product. Loss-of-function variants in ATM are known to be pathogenic (PMID: 23807571, 25614872).

BRCAlab, Lund University
Classification: Pathogenic for Familial cancer of breast. Last evaluated: 2022-08-26. Review status: no assertion criteria provided. Collection method: clinical testing. Allele origin: germline. Affected: yes. Not counted in ClinVar's aggregate classification.

Literature cited by the submitters: PubMed 23807571 (cited by Labcorp Genetics (formerly Invitae), Labcorp); PubMed 25614872 (cited by Labcorp Genetics (formerly Invitae), Labcorp).